The following is an entry in ClinVar:

NM_006440.5(TXNRD2):c.1086+11C>T

Gene: TXNRD2 (thioredoxin reductase 2; minus strand). Cytogenetic location: 22q11.21.
Variant type: single nucleotide variant.
Coding change: c.1086+11C>T on transcript NM_006440.5 (MANE Select); 11 bases into the intron after coding-DNA position 1086, C replaced by T.
Molecular consequence: intron variant.
Genome position (GRCh38, 1-based): chr22:19,883,314, G>A on the plus strand (C>T on the coding strand, the complement: TXNRD2 is on the minus strand). VCF-style: chr22-19883314-G-A. GRCh37 (hg19) VCF-style: chr22-19870837-G-A.
Other names: c.1083+11C>T (NM_001352300.2); c.798+11C>T (NM_001352302.2); c.996+11C>T (NM_001352301.2).
Identifiers: ClinVar variation 513226 (VCV000513226.7), dbSNP rs369332144, ClinGen allele CA10103838.

ClinVar aggregate classification (germline): Likely benign. Review status: criteria provided, multiple submitters, no conflicts (2 of 4 stars). 3 submissions from 3 submitters: Likely benign (3). Last evaluated 2025-10-21.

Conditions:
Primary dilated cardiomyopathy (DCM). Also called: Dilated Cardiomyopathy. Identifiers: Orphanet 217604, MedGen C0007193, MeSH D002311, MONDO:0005021, HP:0001644. Inheritance: Various modes of inheritance.

Allele frequency attached by ClinVar (database versions not stated): gnomAD exomes 0.00001; ExAC 0.00002; gnomAD 0.00002 and 0.00003; TOPMed 0.00003; ESP Exome Variant Server 0.00008; 1000 Genomes Project 30x 0.00016; 1000 Genomes Project 0.00020.
gnomAD v4.1: 77 of 1,612,336 alleles (0.0048%); highest among the groups gnomAD compares: Non-Finnish European, 0.0059%; no homozygotes.

Submissions (3):

Labcorp Genetics (formerly Invitae), Labcorp
Classification: Likely benign for Primary dilated cardiomyopathy. Last evaluated: 2025-10-21. Review status: criteria provided, single submitter. Criteria: Invitae Variant Classification Sherloc (09022015). Collection method: clinical testing. Allele origin: germline.

GeneDx
Classification: Likely benign. Last evaluated: 2017-11-07. Review status: criteria provided, single submitter. Criteria: GeneDx Variant Classification (06012015). Collection method: clinical testing. Allele origin: germline. Affected: yes.
Comment: This variant is considered likely benign or benign based on one or more of the following criteria: it is a conservative change, it occurs at a poorly conserved position in the protein, it is predicted to be benign by multiple in silico algorithms, and/or has population frequency not consistent with disease.

Breakthrough Genomics
Classification: Likely benign. Review status: criteria provided, single submitter. Criteria: ACMG Guidelines, 2015. Collection method: not provided. Allele origin: germline. Inheritance: Autosomal recessive inheritance. Affected: yes.